The following is an entry in ClinVar:

NM_005751.5(AKAP9):c.7886T>C (p.Val2629Ala)

Gene: AKAP9 (A-kinase anchoring protein 9; plus strand). Cytogenetic location: 7q21.2.
Variant type: single nucleotide variant.
Coding change: c.7886T>C on transcript NM_005751.5 (MANE Select); coding-DNA position 7886, T replaced by C.
Protein change: p.Val2629Ala; replaces valine 2629 with alanine.
Molecular consequence: missense variant.
Genome position (GRCh38, 1-based): chr7:92,080,019, T>C. VCF-style: chr7-92080019-T-C. GRCh37 (hg19) VCF-style: chr7-91709333-T-C.
Other names: c.2531T>C, p.Val844Ala (NM_001379277.1); c.7862T>C, p.Val2621Ala (NM_147185.3); short protein forms V2629A, V2621A, V844A.
Identifiers: ClinVar variation 573893 (VCV000573893.11), dbSNP rs199909093, ClinGen allele CA4337360.

ClinVar aggregate classification (germline): Conflicting classifications of pathogenicity. Review status: criteria provided, conflicting classifications (1 of 4 stars). 5 submissions from 5 submitters: Uncertain significance (2); Likely benign (3). Last evaluated 2026-04-02.

Conditions:
Long QT syndrome (LQTS). Identifiers: MedGen C0023976, MeSH D008133, MONDO:0002442. Disease mechanism: loss of function. Inheritance: Various modes of inheritance.
Long QT syndrome 11 (LQT11). Identifiers: Orphanet 101016, Orphanet 768, MedGen C2678483, MONDO:0012738, OMIM 611820.
Cardiovascular phenotype. Identifiers: MedGen CN230736.

Allele frequency attached by ClinVar (database versions not stated): gnomAD exomes 0.00011; ExAC 0.00013; TOPMed 0.00013; gnomAD 0.00015; ESP Exome Variant Server 0.00031.
gnomAD v4.1: 360 of 1,561,770 alleles (0.023%); highest among the groups gnomAD compares: Non-Finnish European, 0.03%; no homozygotes.

Submissions (5):

Women's Health and Genetics/Laboratory Corporation of America, LabCorp
Classification: Likely benign. Last evaluated: 2026-04-02. Review status: criteria provided, single submitter. Criteria: LabCorp Variant Classification Summary - May 2015. Collection method: clinical testing. Allele origin: germline.
Comment: Variant summary: AKAP9 c.7886T>C (p.Val2629Ala) results in a non-conservative amino acid change in the encoded protein sequence. Algorithms developed to predict the effect of missense changes on protein structure and function are either unavailable or do not agree on the potential impact of this missense change. The variant allele was found at a frequency of 0.00011 in 206010 control chromosomes. The observed variant frequency exceeds the estimated maximal expected allele frequency for disease-causing variants in AKAP9. c.7886T>C has been observed in at least one infant that died from sudden infant death syndrome, without strong evidence of causality (example: Neubauer_2017). This report does not provide unequivocal conclusions about association of the variant with Long QT Syndrome. To our knowledge, no experimental evidence demonstrating an impact on protein function has been reported. The following publication has been ascertained in the context of this evaluation (PMID: 28074886). ClinVar contains an entry for this variant (Variation ID: 573893). Based on the evidence outlined above, the variant was classified as likely benign.

Labcorp Genetics (formerly Invitae), Labcorp
Classification: Uncertain significance for Long QT syndrome. Last evaluated: 2025-10-06. Review status: criteria provided, single submitter. Criteria: Invitae Variant Classification Sherloc (09022015). Collection method: clinical testing. Allele origin: germline.
Comment: This sequence change replaces valine, which is neutral and non-polar, with alanine, which is neutral and non-polar, at codon 2629 of the AKAP9 protein (p.Val2629Ala). This variant is present in population databases (rs199909093, gnomAD 0.03%). This variant has not been reported in the literature in individuals affected with AKAP9-related conditions. ClinVar contains an entry for this variant (Variation ID: 573893). An algorithm developed to predict the effect of missense changes on protein structure and function (PolyPhen-2) suggests that this variant is likely to be tolerated. In summary, the available evidence is currently insufficient to determine the role of this variant in disease. Therefore, it has been classified as a Variant of Uncertain Significance.

Blueprint Genetics
Classification: Likely benign. Last evaluated: 2024-04-26. Review status: criteria provided, single submitter. Criteria: ACMG Guidelines, 2015. Collection method: clinical testing. Allele origin: germline.

Fulgent Genetics
Classification: Uncertain significance for Long QT syndrome 11. Last evaluated: 2021-08-11. Review status: criteria provided, single submitter. Criteria: ACMG Guidelines, 2015. Collection method: clinical testing. Allele origin: unknown.

Ambry Genetics
Classification: Likely benign for Cardiovascular phenotype. Last evaluated: 2019-10-28. Review status: criteria provided, single submitter. Criteria: Ambry Variant Classification Scheme 2023. Collection method: clinical testing. Allele origin: germline.

Literature cited by the submitters: PubMed 28074886 (cited by Women's Health and Genetics/Laboratory Corporation of America, LabCorp).